The following is an entry in ClinVar:

NM_005157.6(ABL1):c.2002G>T (p.Val668Phe)

Gene: ABL1 (ABL proto-oncogene 1, non-receptor tyrosine kinase; plus strand). Cytogenetic location: 9q34.12.
Variant type: single nucleotide variant.
Coding change: c.2002G>T on transcript NM_005157.6 (MANE Select); coding-DNA position 2002, G replaced by T.
Protein change: p.Val668Phe; replaces valine 668 with phenylalanine.
Molecular consequence: missense variant.
Genome position (GRCh38, 1-based): chr9:130,884,292, G>T. VCF-style: chr9-130884292-G-T. GRCh37 (hg19) VCF-style: chr9-133759679-G-T.
Other names: c.2059G>T, p.Val687Phe (NM_007313.3); short protein forms V687F, V668F.
Identifiers: ClinVar variation 4705258 (VCV004705258.1).

ClinVar aggregate classification (germline): Uncertain significance (1 of 4 stars; one submission).

Submission:

Labcorp Genetics (formerly Invitae), Labcorp
Classification: Uncertain significance. Last evaluated: 2025-03-19. Review status: criteria provided, single submitter. Criteria: Invitae Variant Classification Sherloc (09022015). Collection method: clinical testing. Allele origin: germline.
Comment: This sequence change replaces valine, which is neutral and non-polar, with phenylalanine, which is neutral and non-polar, at codon 687 of the ABL1 protein (p.Val687Phe). This variant is not present in population databases (gnomAD no frequency). This variant has not been reported in the literature in individuals affected with ABL1-related conditions. Invitae Evidence Modeling of protein sequence and biophysical properties (such as structural, functional, and spatial information, amino acid conservation, physicochemical variation, residue mobility, and thermodynamic stability) indicates that this missense variant is not expected to disrupt ABL1 protein function with a negative predictive value of 95%. In summary, the available evidence is currently insufficient to determine the role of this variant in disease. Therefore, it has been classified as a Variant of Uncertain Significance.